The following is an entry in ClinVar:

NM_005228.5(EGFR):c.1810A>G (p.Asn604Asp)

Gene: EGFR (epidermal growth factor receptor; plus strand). Cytogenetic location: 7p11.2.
Variant type: single nucleotide variant.
Coding change: c.1810A>G on transcript NM_005228.5 (MANE Select); coding-DNA position 1810, A replaced by G.
Protein change: p.Asn604Asp; replaces asparagine 604 with aspartic acid.
Molecular consequence: missense variant.
Genome position (GRCh38, 1-based): chr7:55,165,367, A>G. VCF-style: chr7-55165367-A-G. GRCh37 (hg19) VCF-style: chr7-55233060-A-G.
Other names: c.1675A>G, p.Asn559Asp (NM_001346897.2, NM_001346899.2); c.1810A>G, p.Asn604Asp (NM_001346898.2, NM_201282.2, NM_201284.2); c.1651A>G, p.Asn551Asp (NM_001346900.2); c.1009A>G, p.Asn337Asp (NM_001346941.2); short protein forms N551D, N559D, N604D, N337D.
Identifiers: ClinVar variation 1372947 (VCV001372947.6), dbSNP rs2128946337, ClinGen allele CA367580924.

ClinVar aggregate classification (germline): Uncertain significance (1 of 4 stars; one submission).

Conditions:
EGFR-related lung cancer (EGFR). Identifiers: MedGen CN130014.

Submission:

Labcorp Genetics (formerly Invitae), Labcorp
Classification: Uncertain significance for EGFR-related lung cancer. Last evaluated: 2021-08-06. Review status: criteria provided, single submitter. Criteria: Invitae Variant Classification Sherloc (09022015). Collection method: clinical testing. Allele origin: germline.
Comment: This sequence change replaces asparagine with aspartic acid at codon 604 of the EGFR protein (p.Asn604Asp). The asparagine residue is weakly conserved and there is a small physicochemical difference between asparagine and aspartic acid. This variant is not present in population databases (ExAC no frequency). This variant has not been reported in the literature in individuals affected with EGFR-related conditions. Algorithms developed to predict the effect of missense changes on protein structure and function output the following: SIFT: "Tolerated"; PolyPhen-2: "Benign"; Align-GVGD: "Class C0". The aspartic acid amino acid residue is found in multiple mammalian species, which suggests that this missense change does not adversely affect protein function. In summary, the available evidence is currently insufficient to determine the role of this variant in disease. Therefore, it has been classified as a Variant of Uncertain Significance.